The following is an entry in ClinVar:

NM_001099271.2(POC5):c.61A>T (p.Ser21Cys)

Gene: POC5 (POC5 centriolar protein; minus strand). Cytogenetic location: 5q13.3.
Variant type: single nucleotide variant.
Coding change: c.61A>T on transcript NM_001099271.2 (MANE Select); coding-DNA position 61, A replaced by T.
Protein change: p.Ser21Cys; replaces serine 21 with cysteine.
Molecular consequence: missense variant.
Genome position (GRCh38, 1-based): chr5:75,712,877, T>A on the plus strand (A>T on the coding strand, the complement: POC5 is on the minus strand). VCF-style: chr5-75712877-T-A. GRCh37 (hg19) VCF-style: chr5-75008702-T-A.
Other names: short protein forms S21C.
Identifiers: ClinVar variation 1497828 (VCV001497828.6), dbSNP rs73766008, ClinGen allele CA3310699.

ClinVar aggregate classification (germline): Uncertain significance (1 of 4 stars; one submission).

Allele frequency attached by ClinVar (database versions not stated): gnomAD exomes 0.00004 and 0.00009; ExAC 0.00016; TOPMed 0.00033; gnomAD 0.00035 and 0.00038; ESP Exome Variant Server 0.00051; 1000 Genomes Project 30x 0.00078; 1000 Genomes Project 0.00080.
gnomAD v4.1: 107 of 1,611,984 alleles (0.0066%); highest among the groups gnomAD compares: African/African-American, 0.13%; no homozygotes.

Submission:

Labcorp Genetics (formerly Invitae), Labcorp
Classification: Uncertain significance. Last evaluated: 2025-10-23. Review status: criteria provided, single submitter. Criteria: Invitae Variant Classification Sherloc (09022015). Collection method: clinical testing. Allele origin: germline.
Comment: This sequence change replaces serine, which is neutral and polar, with cysteine, which is neutral and slightly polar, at codon 21 of the POC5 protein (p.Ser21Cys). This variant is present in population databases (rs73766008, gnomAD 0.2%), and has an allele count higher than expected for a pathogenic variant. This variant has not been reported in the literature in individuals affected with POC5-related conditions. ClinVar contains an entry for this variant (Variation ID: 1497828). An algorithm developed to predict the effect of missense changes on protein structure and function (PolyPhen-2) suggests that this variant is likely to be disruptive. In summary, the available evidence is currently insufficient to determine the role of this variant in disease. Therefore, it has been classified as a Variant of Uncertain Significance.